The following is an entry in ClinVar:

ClinVar aggregate classification (germline): Uncertain significance (1 of 4 stars; one submission).

Submission:

Women's Health and Genetics/Laboratory Corporation of America, LabCorp
Classification: Uncertain significance. Last evaluated: 2023-05-26. Review status: criteria provided, single submitter. Criteria: LabCorp Variant Classification Summary - May 2015. Collection method: clinical testing. Allele origin: germline.
Comment: Variant summary: XPR1 c.1213G>A (p.Val405Met) results in a conservative amino acid change located in the EXS, C-terminal (IPR004342) of the encoded protein sequence. Four of five in-silico tools predict a benign effect of the variant on protein function. The variant was absent in 251322 control chromosomes (gnomAD). The available data on variant occurrences in the general population are insufficient to allow any conclusion about variant significance. To our knowledge, no occurrence of c.1213G>A in individuals affected with Basal Ganglia Calcification, Idiopathic, 6 and no experimental evidence demonstrating its impact on protein function have been reported. No clinical diagnostic laboratories have submitted clinical-significance assessments for this variant to ClinVar after 2014. Based on the evidence outlined above, the variant was classified as uncertain significance.

NM_004736.4(XPR1):c.1213G>A (p.Val405Met)

Gene: XPR1 (xenotropic and polytropic retrovirus receptor 1; plus strand). Cytogenetic location: 1q25.3.
Variant type: single nucleotide variant.
Coding change: c.1213G>A on transcript NM_004736.4 (MANE Select); coding-DNA position 1213, G replaced by A.
Protein change: p.Val405Met; replaces valine 405 with methionine.
Molecular consequence: missense variant.
Genome position (GRCh38, 1-based): chr1:180,834,952, G>A. VCF-style: chr1-180834952-G-A. GRCh37 (hg19) VCF-style: chr1-180804088-G-A.
Other names: c.1213G>A, p.Val405Met (NM_001135669.2, NM_001328662.2); short protein forms V405M.
Identifiers: ClinVar variation 2506310 (VCV002506310.1), dbSNP rs2525920040, ClinGen allele CA343840487.